The following is an entry in ClinVar:

ClinVar aggregate classification (germline): Uncertain significance. Review status: criteria provided, multiple submitters, no conflicts (2 of 4 stars). 3 submissions from 3 submitters: Uncertain significance (3). Last evaluated 2025-12-01.

Conditions:
Age related macular degeneration 1 (ARMD1). Also called: MACULOPATHY, AGE-RELATED, 1. Identifiers: MedGen C1864205, MONDO:0011285, OMIM 603075.

Allele frequency attached by ClinVar (database versions not stated): gnomAD exomes 0.00005; gnomAD 0.00007; ExAC 0.00008; TOPMed 0.00008.
gnomAD v4.1: 87 of 1,613,202 alleles (0.0054%); highest among the groups gnomAD compares: East Asian, 0.016%; no homozygotes.

Submissions (3):

Labcorp Genetics (formerly Invitae), Labcorp
Classification: Uncertain significance. Last evaluated: 2025-12-01. Review status: criteria provided, single submitter. Criteria: Invitae Variant Classification Sherloc (09022015). Collection method: clinical testing. Allele origin: germline.
Comment: This sequence change replaces arginine, which is basic and polar, with tryptophan, which is neutral and slightly polar, at codon 3390 of the HMCN1 protein (p.Arg3390Trp). This variant is present in population databases (rs544012411, gnomAD 0.02%). This variant has not been reported in the literature in individuals affected with HMCN1-related conditions. ClinVar contains an entry for this variant (Variation ID: 2072048). An algorithm developed to predict the effect of missense changes on protein structure and function (PolyPhen-2) suggests that this variant is likely to be disruptive. In summary, the available evidence is currently insufficient to determine the role of this variant in disease. Therefore, it has been classified as a Variant of Uncertain Significance.

Ambry Genetics
Classification: Uncertain significance. Last evaluated: 2025-09-04. Review status: criteria provided, single submitter. Criteria: Ambry Variant Classification Scheme 2023. Collection method: clinical testing. Allele origin: germline.

Genome-Nilou Lab
Classification: Uncertain significance for Age related macular degeneration 1. Last evaluated: 2023-04-11. Review status: criteria provided, single submitter. Criteria: ACMG Guidelines, 2015. Collection method: clinical testing. Allele origin: germline. Affected: no.

NM_031935.3(HMCN1):c.10168C>T (p.Arg3390Trp)

Gene: HMCN1 (hemicentin 1; plus strand). Cytogenetic location: 1q31.1.
Variant type: single nucleotide variant.
Coding change: c.10168C>T on transcript NM_031935.3 (MANE Select); coding-DNA position 10168, C replaced by T.
Protein change: p.Arg3390Trp; replaces arginine 3390 with tryptophan.
Molecular consequence: missense variant.
Genome position (GRCh38, 1-based): chr1:186,093,641, C>T. VCF-style: chr1-186093641-C-T. GRCh37 (hg19) VCF-style: chr1-186062773-C-T.
Other names: c.10168C>T (NM_031935.2); short protein forms R3390W.
Identifiers: ClinVar variation 2072048 (VCV002072048.8), dbSNP rs544012411, ClinGen allele CA1293655.